The following is an entry in ClinVar:

NM_138615.3(DHX30):c.2098C>T (p.Leu700Phe)

Gene: DHX30 (DExH-box helicase 30; plus strand). Cytogenetic location: 3p21.31.
Variant type: single nucleotide variant.
Coding change: c.2098C>T on transcript NM_138615.3 (MANE Select); coding-DNA position 2098, C replaced by T.
Protein change: p.Leu700Phe; replaces leucine 700 with phenylalanine.
Molecular consequence: missense variant.
Genome position (GRCh38, 1-based): chr3:47,847,524, C>T. VCF-style: chr3-47847524-C-T. GRCh37 (hg19) VCF-style: chr3-47889014-C-T.
Other names: c.2014C>T, p.Leu672Phe (NM_001330990.2); c.1981C>T, p.Leu661Phe (NM_014966.4); short protein forms L661F, L672F, L700F.
Identifiers: ClinVar variation 985306 (VCV000985306.3), dbSNP rs2037670394, ClinGen allele CA352588297.

ClinVar aggregate classification (germline): Uncertain significance (1 of 4 stars; one submission).

Conditions:
Inborn genetic diseases. Identifiers: MedGen C0950123, MeSH D030342.

Submission:

Ambry Genetics
Classification: Uncertain significance for Inborn genetic diseases. Last evaluated: 2023-12-01. Review status: criteria provided, single submitter. Criteria: Ambry Variant Classification Scheme 2023. Collection method: clinical testing. Allele origin: germline.
Comment: The c.2098C>T (p.L700F) alteration is located in exon 13 (coding exon 11) of the DHX30 gene. This alteration results from a C to T substitution at nucleotide position 2098, causing the leucine (L) at amino acid position 700 to be replaced by a phenylalanine (F). This variant was not reported in population-based cohorts in the Genome Aggregation Database (gnomAD). This amino acid position is well conserved in available vertebrate species. This alteration is predicted to be tolerated by in silico analysis. Based on insufficient or conflicting evidence, the clinical significance of this alteration remains unclear.